The following is an entry in ClinVar:

NM_001843.4(CNTN1):c.2498T>C (p.Leu833Ser)

Gene: CNTN1 (contactin 1; plus strand). Cytogenetic location: 12q12.
Variant type: single nucleotide variant.
Coding change: c.2498T>C on transcript NM_001843.4 (MANE Select); coding-DNA position 2498, T replaced by C.
Protein change: p.Leu833Ser; replaces leucine 833 with serine.
Molecular consequence: missense variant.
Genome position (GRCh38, 1-based): chr12:41,020,415, T>C. VCF-style: chr12-41020415-T-C. GRCh37 (hg19) VCF-style: chr12-41414217-T-C.
Other names: c.2465T>C, p.Leu822Ser (NM_175038.2); short protein forms L833S, L822S.
Identifiers: ClinVar variation 469420 (VCV000469420.8), dbSNP rs1205621429, ClinGen allele CA384587303.

ClinVar aggregate classification (germline): Uncertain significance (1 of 4 stars; one submission).

Conditions:
Compton-North congenital myopathy (CMYO12). Identifiers: Orphanet 210163, MedGen C2675527, MONDO:0012929, OMIM 612540.

Allele frequency attached by ClinVar (database versions not stated): gnomAD exomes below 0.00001 and 0.00001; TOPMed below 0.00001.
gnomAD v4.1: 7 of 1,610,472 alleles (0.00043%); highest among the groups gnomAD compares: Admixed American, 0.012%; no homozygotes.

Submission:

Labcorp Genetics (formerly Invitae), Labcorp
Classification: Uncertain significance for Compton-North congenital myopathy. Last evaluated: 2025-10-02. Review status: criteria provided, single submitter. Criteria: Invitae Variant Classification Sherloc (09022015). Collection method: clinical testing. Allele origin: germline.
Comment: This sequence change replaces leucine, which is neutral and non-polar, with serine, which is neutral and polar, at codon 833 of the CNTN1 protein (p.Leu833Ser). This variant is present in population databases (no rsID available, gnomAD 0.003%). This variant has not been reported in the literature in individuals affected with CNTN1-related conditions. ClinVar contains an entry for this variant (Variation ID: 469420). Invitae Evidence Modeling of protein sequence and biophysical properties (such as structural, functional, and spatial information, amino acid conservation, physicochemical variation, residue mobility, and thermodynamic stability) indicates that this missense variant is not expected to disrupt CNTN1 protein function with a negative predictive value of 95%. In summary, the available evidence is currently insufficient to determine the role of this variant in disease. Therefore, it has been classified as a Variant of Uncertain Significance.